The following is an entry in ClinVar:

ClinVar aggregate classification (germline): Uncertain significance (1 of 4 stars; one submission).

Submission:

GeneDx
Classification: Uncertain significance. Last evaluated: 2025-06-11. Review status: criteria provided, single submitter. Criteria: GeneDx Variant Classification Process June 2021. Collection method: clinical testing. Allele origin: germline. Affected: yes.
Comment: Not observed at significant frequency in large population cohorts (gnomAD); Has not been previously published as pathogenic or benign to our knowledge; Canonical splice site variant in a gene for which loss-of-function is not a known mechanism of disease

NM_030662.4(MAP2K2):c.705+1G>C

Gene: MAP2K2 (mitogen-activated protein kinase kinase 2; minus strand). Cytogenetic location: 19p13.3.
Variant type: single nucleotide variant.
Coding change: c.705+1G>C on transcript NM_030662.4 (MANE Select); the canonical splice donor site of the intron after coding-DNA position 705, G replaced by C.
Molecular consequence: splice donor variant.
Genome position (GRCh38, 1-based): chr19:4,101,018, C>G on the plus strand (G>C on the coding strand, the complement: MAP2K2 is on the minus strand). VCF-style: chr19-4101018-C-G. GRCh37 (hg19) VCF-style: chr19-4101016-C-G.
Other names: c.705+1G>C (NM_001440688.1); c.135+1G>C (NM_001440689.1).
Identifiers: ClinVar variation 4538128 (VCV004538128.1).